The following is an entry in ClinVar:

NM_177986.5(DSG4):c.1568C>T (p.Pro523Leu)

Genes: DSG4 (desmoglein 4; plus strand), DSG1-AS1 (DSG1 antisense RNA 1; minus strand). Cytogenetic location: 18q12.1.
Variant type: single nucleotide variant.
Coding change: c.1568C>T on transcript NM_177986.5 (MANE Select); coding-DNA position 1568, C replaced by T.
Protein change: p.Pro523Leu; replaces proline 523 with leucine.
Molecular consequence: missense variant.
Genome position (GRCh38, 1-based): chr18:31,403,566, C>T. VCF-style: chr18-31403566-C-T. GRCh37 (hg19) VCF-style: chr18-28983529-C-T.
Other names: c.1568C>T, p.Pro523Leu (NM_001134453.3); short protein forms P523L.
Identifiers: ClinVar variation 235547 (VCV000235547.17), dbSNP rs34620697, ClinGen allele CA8927040.

ClinVar aggregate classification (germline): Benign/Likely benign. Review status: criteria provided, multiple submitters, no conflicts (2 of 4 stars). 5 submissions from 5 submitters: Benign (1); Likely benign (4). Last evaluated 2026-01-09.

Conditions:
Hypotrichosis 6 (HYPT6). Also called: MONILETHRIX-LIKE HYPOTRICHOSIS; HYPOTRICHOSIS, LOCALIZED, AUTOSOMAL RECESSIVE 1. Identifiers: Orphanet 55654, MedGen C1842839, MONDO:0011932, OMIM 607903.

Allele frequency attached by ClinVar (database versions not stated): gnomAD 0.00424; TOPMed 0.00528; ESP Exome Variant Server 0.00730; 1000 Genomes Project 30x 0.00734; gnomAD exomes 0.00794; 1000 Genomes Project 0.00799; ExAC 0.00863.
gnomAD v4.1: 11,458 of 1,613,966 alleles (0.71%); highest among the groups gnomAD compares: South Asian, 1.9%; 96 homozygotes.

Submissions (5):

Labcorp Genetics (formerly Invitae), Labcorp
Classification: Benign. Last evaluated: 2026-01-09. Review status: criteria provided, single submitter. Criteria: Invitae Variant Classification Sherloc (09022015). Collection method: clinical testing. Allele origin: germline.

Genomic Medicine Center of Excellence, King Faisal Specialist Hospital and Research Centre
Classification: Likely benign. Last evaluated: 2025-08-18. Review status: criteria provided, single submitter. Criteria: ACMG Guidelines, 2015. Collection method: clinical testing. Allele origin: germline.

Illumina Laboratory Services, Illumina
Classification: Likely benign for Hypotrichosis 6. Last evaluated: 2018-01-13. Review status: criteria provided, single submitter. Criteria: ICSL Variant Classification Criteria 13 December 2019. Collection method: clinical testing. Allele origin: germline.
Comment: This variant was observed in the ICSL laboratory as part of a predisposition screen in an ostensibly healthy population. It had not been previously curated by ICSL or reported in the Human Gene Mutation Database (HGMD: prior to June 1st, 2018), and was therefore a candidate for classification through an automated scoring system. Utilizing variant allele frequency, disease prevalence and penetrance estimates, and inheritance mode, an automated score was calculated to assess if this variant is too frequent to cause the disease. Based on the score and internal cut-off values, a variant classified as likely benign is not then subjected to further curation. The score for this variant resulted in a classification of likely benign for this disease.

Center for Pediatric Genomic Medicine, Children's Mercy Hospital and Clinics
Classification: Likely benign. Last evaluated: 2015-12-21. Review status: criteria provided, single submitter. Criteria: ACMG Guidelines, 2015. Collection method: clinical testing. Allele origin: germline.
ClinVar note: Converted during submission from Likely Benign to Likely benign.

Breakthrough Genomics
Classification: Likely benign. Review status: criteria provided, single submitter. Criteria: ACMG Guidelines, 2015. Collection method: not provided. Allele origin: germline. Inheritance: Autosomal recessive inheritance. Affected: yes.